The following is an entry in ClinVar:

ClinVar aggregate classification (germline): Conflicting classifications of pathogenicity. Review status: criteria provided, conflicting classifications (1 of 4 stars). 13 submissions from 13 submitters: Uncertain significance (2); Benign (3); Likely benign (7). 1 of the submissions does not count toward it. Last evaluated 2026-01-27.

Conditions:
Hereditary nonpolyposis colorectal neoplasms. Identifiers: MedGen C0009405, MeSH D003123.
Hereditary cancer-predisposing syndrome. Also called: Tumor predisposition; Hereditary neoplastic syndrome; Neoplastic Syndromes, Hereditary; Hereditary Cancer Syndrome. Identifiers: Orphanet 140162, MedGen C0027672, MeSH D009386, MONDO:0015356.
Lynch syndrome 4 (LYNCH4). Also called: Colorectal cancer, hereditary nonpolyposis, type 4; Hereditary non-polyposis colorectal cancer, type 4. Identifiers: Orphanet 144, MedGen C1838333, MONDO:0013699, OMIM 614337. Disease mechanism: loss of function.

Allele frequency attached by ClinVar (database versions not stated): gnomAD exomes 0.00010; ExAC 0.00012; 1000 Genomes Project 0.00020; 1000 Genomes Project 30x 0.00031; gnomAD 0.00048; TOPMed 0.00060; ESP Exome Variant Server 0.00069.

Submissions (13):

Labcorp Genetics (formerly Invitae), Labcorp
Classification: Likely benign for Hereditary nonpolyposis colorectal neoplasms. Last evaluated: 2026-01-27. Review status: criteria provided, single submitter. Criteria: Invitae Variant Classification Sherloc (09022015). Collection method: clinical testing. Allele origin: germline.

Myriad Genetics, Inc.
Classification: Likely benign for Lynch syndrome 4. Last evaluated: 2025-01-31. Review status: criteria provided, single submitter. Criteria: Myriad Autosomal Dominant, Autosomal Recessive and X-Linked Classification Criteria (2023). Collection method: clinical testing. Allele origin: unknown.
Comment: This variant is considered likely benign. Homozygosity for this variant has been confirmed in one or more individuals lacking clinical features consistent with gene-specific recessive disease, indicating that this variant is unlikely to be pathogenic.

Color Diagnostics, LLC DBA Color Health
Classification: Benign for Hereditary cancer-predisposing syndrome. Last evaluated: 2024-10-16. Review status: criteria provided, single submitter. Criteria: ACMG Guidelines, 2015. Collection method: clinical testing. Allele origin: germline.

Institute for Biomarker Research, Medical Diagnostic Laboratories, L.L.C.
Classification: Benign for Hereditary cancer-predisposing syndrome. Last evaluated: 2023-06-27. Review status: criteria provided, single submitter. Criteria: ACMG Guidelines, 2015. Collection method: clinical testing. Allele origin: germline.

Quest Diagnostics Nichols Institute San Juan Capistrano
Classification: Benign. Last evaluated: 2023-05-25. Review status: criteria provided, single submitter. Criteria: Quest Diagnostics criteria. Collection method: clinical testing. Allele origin: unknown.

Blueprint Genetics
Classification: Likely benign. Last evaluated: 2022-07-07. Review status: criteria provided, single submitter. Criteria: ACMG Guidelines, 2015. Collection method: clinical testing. Allele origin: germline.

Sema4
Classification: Likely benign for Hereditary cancer-predisposing syndrome. Last evaluated: 2021-09-30. Review status: criteria provided, single submitter. Criteria: Sema4 Curation Guidelines. Collection method: curation. Allele origin: germline.

GeneDx
Classification: Likely benign. Last evaluated: 2021-06-22. Review status: criteria provided, single submitter. Criteria: GeneDx Variant Classification Process June 2021. Collection method: clinical testing. Allele origin: germline. Affected: yes.
Comment: This variant is associated with the following publications: (PMID: 24728327)

Genetic Services Laboratory, University of Chicago
Classification: Uncertain significance. Last evaluated: 2019-04-26. Review status: criteria provided, single submitter. Criteria: ACMG Guidelines, 2015. Collection method: clinical testing. Allele origin: germline. Affected: no.

Women's Health and Genetics/Laboratory Corporation of America, LabCorp
Classification: Likely benign. Last evaluated: 2019-02-01. Review status: criteria provided, single submitter. Criteria: LabCorp Variant Classification Summary - May 2015. Collection method: clinical testing. Allele origin: germline.
Comment: Variant summary: The variant, PMS2 c.1708A>G (p.Asn570Asp) results in a conservative amino acid change in the encoded protein sequence. Five of five in-silico tools predict a benign effect of the variant on protein function. The variant allele was found at a frequency of 0.00015 in 278512 control chromosomes, predominantly at a frequency of 0.0017 within the African subpopulation in the gnomAD database. The observed variant frequency within African control individuals in the gnomAD database is approximately 15 fold of the estimated maximal expected allele frequency for a pathogenic variant in PMS2 causing Lynch Syndrome phenotype (0.00011), strongly suggesting that the variant is a benign polymorphism found primarily in populations of African origin. To our knowledge, no occurrence of c.1708A>G in individuals affected with Lynch Syndrome and no experimental evidence demonstrating its impact on protein function have been reported. Four clinical diagnostic laboratories have submitted clinical-significance assessments for this variant to ClinVar after 2014 without evidence for independent evaluation. All laboratories classified the variant as likely benign. Based on the evidence outlined above, the variant was classified as likely benign.

Ambry Genetics
Classification: Likely benign for Hereditary cancer-predisposing syndrome. Last evaluated: 2018-12-28. Review status: criteria provided, single submitter. Criteria: Ambry Variant Classification Scheme 2023. Collection method: clinical testing. Allele origin: germline.

Illumina Laboratory Services, Illumina
Classification: Uncertain significance for Lynch syndrome 4. Last evaluated: 2018-01-13. Review status: criteria provided, single submitter. Criteria: ICSL Variant Classification Criteria 13 December 2019. Collection method: clinical testing. Allele origin: germline.

ITMI
No classification provided. Condition: AllHighlyPenetrant. Last evaluated: 2013-09-19. Review status: no classification provided. Collection method: reference population. Allele origin: germline. Not counted in ClinVar's aggregate classification.
Comment: Please see associated publication for description of ethnicities

Literature cited by the submitters: PubMed 24728327 (cited by 4 submitters); PubMed 36315513 (cited by Quest Diagnostics Nichols Institute San Juan Capistrano); PubMed 23435383 (cited by Ambry Genetics).

NM_000535.7(PMS2):c.1708A>G (p.Asn570Asp)

Gene: PMS2 (PMS1 homolog 2, mismatch repair system component; minus strand). Cytogenetic location: 7p22.1.
Variant type: single nucleotide variant.
Coding change: c.1708A>G on transcript NM_000535.7 (MANE Select); coding-DNA position 1708, A replaced by G.
Protein change: p.Asn570Asp; replaces asparagine 570 with aspartic acid.
Molecular consequence: missense variant. On other transcripts: non-coding transcript variant (1).
Genome position (GRCh38, 1-based): chr7:5,987,057, T>C on the plus strand (A>G on the coding strand, the complement: PMS2 is on the minus strand). VCF-style: chr7-5987057-T-C. GRCh37 (hg19) VCF-style: chr7-6026688-T-C.
Other names: c.1303A>G, p.Asn435Asp (NM_001322003.2, NM_001322004.2, NM_001322005.2 and 1 more transcripts); c.1552A>G, p.Asn518Asp (NM_001322006.2); c.1390A>G, p.Asn464Asp (NM_001322007.2, NM_001322008.2); c.1147A>G, p.Asn383Asp (NM_001322010.2); c.775A>G, p.Asn259Asp (NM_001322011.2, NM_001322012.2); c.1135A>G, p.Asn379Asp (NM_001322013.2); c.1708A>G, p.Asn570Asp (NM_001322014.2); c.1399A>G, p.Asn467Asp (NM_001322015.2); short protein forms N570D, N379D, N464D, N259D, N383D, N435D, N467D, N518D.
Identifiers: ClinVar variation 135066 (VCV000135066.33), dbSNP rs115670442, ClinGen allele CA010119.